The following is an entry in ClinVar:

ClinVar aggregate classification (germline): Uncertain significance. Review status: criteria provided, multiple submitters, no conflicts (2 of 4 stars). 2 submissions from 2 submitters: Uncertain significance (2). Last evaluated 2025-10-18.

Conditions:
Hereditary cancer-predisposing syndrome. Also called: Hereditary Cancer Syndrome; Neoplastic Syndromes, Hereditary; Tumor predisposition; Hereditary neoplastic syndrome. Identifiers: Orphanet 140162, MedGen C0027672, MeSH D009386, MONDO:0015356.
Ataxia-telangiectasia syndrome (AT). Also called: Cerebello-oculocutaneous telangiectasia; Immunodeficiency with ataxia telangiectasia; Ataxia-telangiectasia, complementation group E; Ataxia-telangiectasia, complementation group D; AT, COMPLEMENTATION GROUP C; ATAXIA-TELANGIECTASIA, COMPLEMENTATION GROUP A. Identifiers: Orphanet 100, MedGen C0004135, MONDO:0008840, OMIM 208900.

Submissions (2):

Labcorp Genetics (formerly Invitae), Labcorp
Classification: Uncertain significance for Ataxia-telangiectasia syndrome. Last evaluated: 2025-10-18. Review status: criteria provided, single submitter. Criteria: Invitae Variant Classification Sherloc (09022015). Collection method: clinical testing. Allele origin: germline.
Comment: This sequence change replaces glutamine, which is neutral and polar, with arginine, which is basic and polar, at codon 2724 of the ATM protein (p.Gln2724Arg). This variant is not present in population databases (gnomAD no frequency). This variant has not been reported in the literature in individuals affected with ATM-related conditions. ClinVar contains an entry for this variant (Variation ID: 571168). Invitae Evidence Modeling of protein sequence and biophysical properties (such as structural, functional, and spatial information, amino acid conservation, physicochemical variation, residue mobility, and thermodynamic stability) indicates that this missense variant is expected to disrupt ATM protein function with a positive predictive value of 95%. In summary, the available evidence is currently insufficient to determine the role of this variant in disease. Therefore, it has been classified as a Variant of Uncertain Significance.

Ambry Genetics
Classification: Uncertain significance for Hereditary cancer-predisposing syndrome. Last evaluated: 2020-06-30. Review status: criteria provided, single submitter. Criteria: Ambry Variant Classification Scheme 2023. Collection method: clinical testing. Allele origin: germline.
Comment: The p.Q2724R variant (also known as c.8171A>G), located in coding exon 55 of the ATM gene, results from an A to G substitution at nucleotide position 8171. The glutamine at codon 2724 is replaced by arginine, an amino acid with highly similar properties. This amino acid position is highly conserved in available vertebrate species. In addition, this alteration is predicted to be deleterious by in silico analysis. Since supporting evidence is limited at this time, the clinical significance of this alteration remains unclear.

NM_000051.4(ATM):c.8171A>G (p.Gln2724Arg)

Genes: C11orf65 (chromosome 11 open reading frame 65; minus strand), ATM (ATM serine/threonine kinase; plus strand). Cytogenetic location: 11q22.3.
Variant type: single nucleotide variant.
Coding change: c.8171A>G on transcript NM_000051.4 (MANE Select); coding-DNA position 8171, A replaced by G.
Protein change: p.Gln2724Arg; replaces glutamine 2724 with arginine.
Molecular consequence: missense variant. On other transcripts: intron variant (2).
Genome position (GRCh38, 1-based): chr11:108,335,864, A>G. VCF-style: chr11-108335864-A-G. GRCh37 (hg19) VCF-style: chr11-108206591-A-G.
Other names: c.8171A>G, p.Gln2724Arg (NM_001351834.2); c.641-26793T>C (NM_001330368.2); c.695-572T>C (NM_001351110.2); short protein forms Q2724R.
Identifiers: ClinVar variation 571168 (VCV000571168.9), dbSNP rs1565543300, ClinGen allele CA382562496.